The following is an entry in ClinVar:

NM_001330360.2(POLA1):c.919C>T (p.Leu307Phe)

Gene: POLA1 (DNA polymerase alpha 1, catalytic subunit; plus strand). Cytogenetic location: Xp22.11.
Variant type: single nucleotide variant.
Coding change: c.919C>T on transcript NM_001330360.2 (MANE Select); coding-DNA position 919, C replaced by T.
Protein change: p.Leu307Phe; replaces leucine 307 with phenylalanine.
Molecular consequence: missense variant. On other transcripts: non-coding transcript variant (2).
Genome position (GRCh38, 1-based): chrX:24,717,590, C>T. VCF-style: chrX-24717590-C-T. GRCh37 (hg19) VCF-style: chrX-24735707-C-T.
Other names: c.919C>T, p.Leu307Phe (NM_001378303.1); c.901C>T, p.Leu301Phe (NM_016937.4); c.901C>T (NM_016937.3); short protein forms L301F, L307F.
Identifiers: ClinVar variation 3251204 (VCV003251204.19), dbSNP rs758251012.

ClinVar aggregate classification (germline): Uncertain significance. Review status: criteria provided, multiple submitters, no conflicts (2 of 4 stars). 2 submissions from 2 submitters: Uncertain significance (2). Last evaluated 2026-03-01.

Submissions (2):

GeneDx
Classification: Uncertain significance. Last evaluated: 2026-03-01. Review status: criteria provided, single submitter. Criteria: GeneDx Variant Classification Process June 2021. Collection method: clinical testing. Allele origin: germline.
Comment: Not observed at significant frequency in large population cohorts (gnomAD); In silico analysis suggests that this missense variant does not alter protein structure/function; Has not been previously published as pathogenic or benign to our knowledge

CeGaT Center for Human Genetics Tuebingen
Classification: Uncertain significance. Last evaluated: 2024-06-01. Review status: criteria provided, single submitter. Criteria: CeGaT Center For Human Genetics Tuebingen Variant Classification Criteria Version 2. Collection method: clinical testing. Allele origin: germline. Affected: yes. Observed: 1 variant allele.
Comment: POLA1: PM2, BP4